The following is an entry in ClinVar:

NM_001267550.2(TTN):c.28628C>T (p.Thr9543Ile)

Gene: TTN (titin; minus strand). Cytogenetic location: 2q31.2.
Variant type: single nucleotide variant.
Coding change: c.28628C>T on transcript NM_001267550.2 (MANE Select); coding-DNA position 28628, C replaced by T.
Protein change: p.Thr9543Ile; replaces threonine 9543 with isoleucine.
Molecular consequence: missense variant. On other transcripts: intron variant (3).
Genome position (GRCh38, 1-based): chr2:178,709,691, G>A on the plus strand (C>T on the coding strand, the complement: TTN is on the minus strand). VCF-style: chr2-178709691-G-A. GRCh37 (hg19) VCF-style: chr2-179574418-G-A.
Other names: p.T9226I:ACA>ATA; c.27677C>T, p.Thr9226Ile (NM_001256850.1); c.24896C>T, p.Thr8299Ile (NM_133378.4); c.13282+28391C>T (NM_003319.4); c.13858+28391C>T (NM_133437.4); c.13657+28391C>T (NM_133432.3); short protein forms T9226I, T9543I, T8299I.
Identifiers: ClinVar variation 203358 (VCV000203358.13), dbSNP rs752853962, ClinGen allele CA312142.

ClinVar aggregate classification (germline): Uncertain significance (1 of 4 stars; one submission).

Allele frequency attached by ClinVar (database versions not stated): gnomAD exomes below 0.00001 and 0.00001; TOPMed below 0.00001; ExAC 0.00001.
gnomAD v4.1: 6 of 1,613,872 alleles (0.00037%); highest among the groups gnomAD compares: Non-Finnish European, 0.00051%; no homozygotes.

Submission:

GeneDx
Classification: Uncertain significance. Last evaluated: 2014-12-22. Review status: criteria provided, single submitter. Criteria: GeneDx Variant Classification (06012015). Collection method: clinical testing. Allele origin: germline. Affected: yes.
Comment: Missense variants in the TTN gene are considered 'unclassified' if they are not previously reported in the literature and do not have >1% frequency in the population to be considered a polymorphism. Research indicates that truncating mutations in the TTN gene are expected to account for approximately 25% of familial and 18% of sporadic idiopathic DCM; however, truncating variants in the TTN gene have been reported in approximately 3% of reported control alleles. There has been little investigation into non-truncating variants. (Herman D et al. Truncations of titin causing dilated cardiomyopathy. N Eng J Med 366:619-628, 2012) The variant is found in DCM-CRDM panel(s).